The following is an entry in ClinVar:

NM_001128425.2(MUTYH):c.4A>C (p.Thr2Pro)

Genes: MUTYH (mutY DNA glycosylase; minus strand), TOE1 (target of EGR1, exonuclease; plus strand). Cytogenetic location: 1p34.1.
Variant type: single nucleotide variant.
Coding change: c.4A>C on transcript NM_001128425.2 (MANE Plus Clinical); coding-DNA position 4, A replaced by C.
Protein change: p.Thr2Pro; replaces threonine 2 with proline.
Molecular consequence: missense variant. On other transcripts: 5 prime UTR variant (8), non-coding transcript variant (3).
Genome position (GRCh38, 1-based): chr1:45,340,251, T>G on the plus strand (A>C on the coding strand, the complement: MUTYH is on the minus strand). VCF-style: chr1-45340251-T-G. GRCh37 (hg19) VCF-style: chr1-45805923-T-G.
Other names: c.-2T>G (NM_025077.4); c.-39A>C (NM_001048171.2); c.4A>C, p.Thr2Pro (NM_001293190.2, NM_001407069.1, NM_001407073.1 and 1 more transcripts); c.-251A>C (NM_001293192.2); c.-310A>C (NM_001350650.2); c.-246A>C (NM_001350651.2); c.-55A>C (NM_001407070.1, NM_001407071.1); c.-35A>C (NM_001407072.1); short protein forms T2P.
Identifiers: ClinVar variation 1001180 (VCV001001180.9), dbSNP rs1646822689, ClinGen allele CA340137919.
Genomic context (GRCh38, chr1:45,340,251, plus strand): 5'-CAGGAGACGGACCGCAAGTCCAGCGTACCCACAGACGACTCAGGCGGGAGACGAGCGGTG[T>G]CATGGCCGCCGACAGTGACGATGGCGCAGTTTCAGCTCCCGCAGCTTCCGACGGTGAGCG-3'
Protein context (NP_001121897.1, residues 1-12): M[Thr2Pro]PLVSRLSRLW

ClinVar aggregate classification (germline): Uncertain significance (1 of 4 stars; one submission).

Conditions:
Familial adenomatous polyposis 2. Also called: MUTYH-related attenuated familial adenomatous polyposis; MUTYH-associated polyposis; Adenomas, multiple colorectal; MUTYH Polyposis; COLORECTAL ADENOMATOUS POLYPOSIS, AUTOSOMAL RECESSIVE; ADENOMAS, MULTIPLE COLORECTAL, AUTOSOMAL RECESSIVE. Identifiers: Orphanet 220460, Orphanet 247798, MedGen C3272841, MONDO:0012041, OMIM 608456.

Submission:

Labcorp Genetics (formerly Invitae), Labcorp
Classification: Uncertain significance for Familial adenomatous polyposis 2. Last evaluated: 2020-06-25. Review status: criteria provided, single submitter. Criteria: Invitae Variant Classification Sherloc (09022015). Collection method: clinical testing. Allele origin: germline.
Comment: This sequence change replaces threonine with proline at codon 2 of the MUTYH protein (p.Thr2Pro). The threonine residue is weakly conserved and there is a small physicochemical difference between threonine and proline. This variant is not present in population databases (ExAC no frequency). This variant has not been reported in the literature in individuals with MUTYH-related conditions. Algorithms developed to predict the effect of missense changes on protein structure and function (SIFT, PolyPhen-2, Align-GVGD) all suggest that this variant is likely to be tolerated, but these predictions have not been confirmed by published functional studies and their clinical significance is uncertain. In summary, the available evidence is currently insufficient to determine the role of this variant in disease. Therefore, it has been classified as a Variant of Uncertain Significance.